The following is an entry in ClinVar:

NM_000814.6(GABRB3):c.300T>C (p.Ser100=)

Gene: GABRB3 (gamma-aminobutyric acid type A receptor subunit beta3; minus strand). Cytogenetic location: 15q12.
Variant type: single nucleotide variant.
Coding change: c.300T>C on transcript NM_000814.6 (MANE Select); coding-DNA position 300, T replaced by C.
Protein change: p.Ser100=; no amino-acid change (serine 100 retained).
Molecular consequence: synonymous variant. On other transcripts: non-coding transcript variant (1).
Genome position (GRCh38, 1-based): chr15:26,621,475, A>G on the plus strand (T>C on the coding strand, the complement: GABRB3 is on the minus strand). VCF-style: chr15-26621475-A-G. GRCh37 (hg19) VCF-style: chr15-26866622-A-G.
Other names: c.45T>C, p.Ser15= (NM_001191320.2, NM_001278631.2); c.87T>C, p.Ser29= (NM_001191321.3); c.300T>C, p.Ser100= (NM_021912.5).
Identifiers: ClinVar variation 509162 (VCV000509162.8), dbSNP rs975508044, ClinGen allele CA268161503.

ClinVar aggregate classification (germline): Likely benign. Review status: criteria provided, multiple submitters, no conflicts (2 of 4 stars). 2 submissions from 2 submitters: Likely benign (2). Last evaluated 2025-12-08.

Conditions:
Epilepsy, childhood absence, susceptibility to, 1. Also called: Epilepsy, childhood absence 1. Identifiers: Orphanet 64280, MedGen C1838604, MONDO:0020759, OMIM 600131.
Epilepsy, childhood absence, susceptibility to, 5. Identifiers: Orphanet 64280, MedGen C2677087, MONDO:0012843, OMIM 612269.

Allele frequency attached by ClinVar (database versions not stated): gnomAD exomes below 0.00001; TOPMed 0.00002.
gnomAD v4.1: 2 of 1,614,200 alleles (0.00012%); highest among the groups gnomAD compares: Admixed American, 0.0017%; no homozygotes.

Submissions (2):

Labcorp Genetics (formerly Invitae), Labcorp
Classification: Likely benign for Epilepsy, childhood absence, susceptibility to, 5; Epilepsy, childhood absence, susceptibility to, 1. Last evaluated: 2025-12-08. Review status: criteria provided, single submitter. Criteria: Invitae Variant Classification Sherloc (09022015). Collection method: clinical testing. Allele origin: germline.

GeneDx
Classification: Likely benign. Last evaluated: 2017-04-24. Review status: criteria provided, single submitter. Criteria: GeneDx Variant Classification (06012015). Collection method: clinical testing. Allele origin: germline. Affected: yes.
Comment: This variant is considered likely benign or benign based on one or more of the following criteria: it is a conservative change, it occurs at a poorly conserved position in the protein, it is predicted to be benign by multiple in silico algorithms, and/or has population frequency not consistent with disease.